The following is an entry in ClinVar:

ClinVar aggregate classification (germline): Likely benign. Review status: reviewed by expert panel (3 of 4 stars). 4 submissions from 4 submitters: Likely benign (1). 3 of the submissions do not count toward it. Last evaluated 2017-06-29.

Conditions:
Hereditary breast ovarian cancer syndrome. Also called: Hereditary breast and ovarian cancer syndrome (HBOC); BRCA1- and BRCA2-Associated Hereditary Breast and Ovarian Cancer; Hereditary breast and/or ovarian cancer syndrome; Hereditary breast and ovarian cancer syndrome; Hereditary breast and ovarian cancer; Breast and ovarian cancer. Identifiers: Orphanet 145, MedGen C0677776, MeSH D061325, MONDO:0003582. Disease mechanism: loss of function.
Hereditary cancer-predisposing syndrome. Also called: Neoplastic Syndromes, Hereditary; Hereditary neoplastic syndrome; Tumor predisposition; Hereditary Cancer Syndrome. Identifiers: Orphanet 140162, MedGen C0027672, MeSH D009386, MONDO:0015356.
Breast-ovarian cancer, familial, susceptibility to, 1 (BROVCA1). Also called: BRCA1 Hereditary Breast and Ovarian Cancer; OVARIAN CANCER, SUSCEPTIBILITY TO. Identifiers: Orphanet 145, MedGen C2676676, MONDO:0011450, OMIM 604370. Disease mechanism: loss of function.

Allele frequency attached by ClinVar (database versions not stated): gnomAD exomes below 0.00001; ExAC 0.00001.
gnomAD v4.1: 1 of 1,614,234 alleles (0.000062%); highest among the groups gnomAD compares: South Asian, 0.0011%; no homozygotes.

Submissions (4):

Evidence-based Network for the Interpretation of Germline Mutant Alleles (ENIGMA)
Classification: Likely benign for Breast-ovarian cancer, familial, susceptibility to, 1. Last evaluated: 2017-06-29. Review status: reviewed by expert panel. Criteria: ENIGMA BRCA1/2 Classification Criteria (2017-06-29). Collection method: curation. Allele origin: germline.
Comment: Synonymous substitution variant, with low bioinformatic likelihood to result in a splicing aberration (Splicing prior probability 0.02).

Labcorp Genetics (formerly Invitae), Labcorp
Classification: Likely benign for Hereditary breast ovarian cancer syndrome. Last evaluated: 2022-06-25. Review status: criteria provided, single submitter. Criteria: Invitae Variant Classification Sherloc (09022015). Collection method: clinical testing. Allele origin: germline. Not counted in ClinVar's aggregate classification.

Color Diagnostics, LLC DBA Color Health
Classification: Likely benign for Hereditary cancer-predisposing syndrome. Last evaluated: 2019-10-30. Review status: criteria provided, single submitter. Criteria: ACMG Guidelines, 2015. Collection method: clinical testing. Allele origin: germline. Not counted in ClinVar's aggregate classification.

Ambry Genetics
Classification: Likely benign for Hereditary cancer-predisposing syndrome. Last evaluated: 2016-06-06. Review status: criteria provided, single submitter. Criteria: Ambry Variant Classification Scheme 2023. Collection method: clinical testing. Allele origin: germline. Not counted in ClinVar's aggregate classification.

NM_007294.4(BRCA1):c.4740T>C (p.Ser1580=)

Gene: BRCA1 (BRCA1 DNA repair associated; minus strand). Cytogenetic location: 17q21.31.
Variant type: single nucleotide variant.
Coding change: c.4740T>C on transcript NM_007294.4 (MANE Select); coding-DNA position 4740, T replaced by C.
Protein change: p.Ser1580=; no amino-acid change (serine 1580 retained).
Molecular consequence: synonymous variant. On other transcripts: intron variant (1).
Genome position (GRCh38, 1-based): chr17:43,071,174, A>G on the plus strand (T>C on the coding strand, the complement: BRCA1 is on the minus strand). VCF-style: chr17-43071174-A-G. GRCh37 (hg19) VCF-style: chr17-41223191-A-G.
Other names: c.4527T>C, p.Ser1509= (NM_001407571.1, NM_001407894.1, NM_001407895.1 and 12 more transcripts); c.4806T>C, p.Ser1602= (NM_001407581.1, NM_001407582.1); c.4803T>C, p.Ser1601= (NM_001407583.1, NM_001407585.1, NM_001407587.1 and 1 more transcripts); c.4800T>C, p.Ser1600= (NM_001407590.1, NM_001407591.1); c.4740T>C, p.Ser1580= (NM_001407593.1, NM_001407594.1, NM_001407596.1 and 8 more transcripts); c.4737T>C, p.Ser1579= (NM_001407610.1, NM_001407611.1, NM_001407612.1 and 17 more transcripts); c.4734T>C, p.Ser1578= (NM_001407627.1, NM_001407628.1, NM_001407629.1 and 14 more transcripts); c.4731T>C, p.Ser1577= (NM_001407644.1, NM_001407645.1); and 71 more.
Identifiers: ClinVar variation 427310 (VCV000427310.18), dbSNP rs777297026, ClinGen allele CA052880.
Genomic context (GRCh38, chr17:43,071,174, plus strand): 5'-CAATGCAGAGGTTGAAGATGGTATGTTGCCAACACGAGCTGACTCTGGGGCTCTGTCTTC[A>G]GAAGGATCAGATTCAGGGTCATCAGAGAAGAGGCTGATTCCAGATTCCAGGTAAGGGGTT-3'
Protein context (NP_009225.1, residues 1570-1590): LFSDDPESDP[Ser1580=]EDRAPESARV